The following is an entry in ClinVar:

NM_058246.4(DNAJB6):c.932A>G (p.Lys311Arg)

Gene: DNAJB6 (DnaJ heat shock protein family (Hsp40) member B6; plus strand). Cytogenetic location: 7q36.3.
Variant type: single nucleotide variant.
Coding change: c.932A>G on transcript NM_058246.4 (MANE Select); coding-DNA position 932, A replaced by G.
Protein change: p.Lys311Arg; replaces lysine 311 with arginine.
Molecular consequence: missense variant.
Genome position (GRCh38, 1-based): chr7:157,416,049, A>G. VCF-style: chr7-157416049-A-G. GRCh37 (hg19) VCF-style: chr7-157208743-A-G.
Other names: c.587A>G, p.Lys196Arg (NM_001363676.1); short protein forms K196R, K311R.
Identifiers: ClinVar variation 1523704 (VCV001523704.10), dbSNP rs775708476, ClinGen allele CA4590677.
Genomic context (GRCh38, chr7:157,416,049, plus strand): 5'-AGTGTTTTACAAGCCGTGTTTCCTTAGGATTGAAAGAAGGTGGCAAGAGGAAGAAGCAGA[A>G]GCAGAGAGAGGAGTCGAAGAAGAAGAAGTCGACCAAAGGCAATCACTAGACCGGACTTGA-3'
Protein context (NP_490647.1, residues 301-321): LKEGGKRKKQ[Lys311Arg]QREESKKKKS

ClinVar aggregate classification (germline): Uncertain significance. Review status: criteria provided, multiple submitters, no conflicts (2 of 4 stars). 2 submissions from 2 submitters: Uncertain significance (2). Last evaluated 2026-01-19.

Conditions:
Autosomal dominant limb-girdle muscular dystrophy type 1D (DNAJB6) (LGMDD1). Also called: MUSCULAR DYSTROPHY, LIMB-GIRDLE, TYPE 1D; MUSCULAR DYSTROPHY, AUTOSOMAL DOMINANT, WITH RIMMED VACUOLES; Autosomal dominant limb-girdle muscular dystrophy type 1D; Muscular dystrophy, limb-girdle, autosomal dominant 1. Identifiers: Orphanet 34516, MedGen C4721885, MONDO:0021018, OMIM 603511.

Allele frequency attached by ClinVar (database versions not stated): gnomAD exomes 0.00001 and 0.00002; ExAC 0.00002.
gnomAD v4.1: 5 of 1,614,214 alleles (0.00031%); highest among the groups gnomAD compares: Admixed American, 0.0083%; no homozygotes.

Submissions (2):

Labcorp Genetics (formerly Invitae), Labcorp
Classification: Uncertain significance for Autosomal dominant limb-girdle muscular dystrophy type 1D (DNAJB6). Last evaluated: 2026-01-19. Review status: criteria provided, single submitter. Criteria: Invitae Variant Classification Sherloc (09022015). Collection method: clinical testing. Allele origin: germline.
Comment: This sequence change replaces lysine, which is basic and polar, with arginine, which is basic and polar, at codon 311 of the DNAJB6 protein (p.Lys311Arg). This variant is present in population databases (rs775708476, gnomAD 0.01%). This variant has not been reported in the literature in individuals affected with DNAJB6-related conditions. ClinVar contains an entry for this variant (Variation ID: 1523704). Invitae Evidence Modeling of protein sequence and biophysical properties (such as structural, functional, and spatial information, amino acid conservation, physicochemical variation, residue mobility, and thermodynamic stability) indicates that this missense variant is not expected to disrupt DNAJB6 protein function with a negative predictive value of 95%. In summary, the available evidence is currently insufficient to determine the role of this variant in disease. Therefore, it has been classified as a Variant of Uncertain Significance.

Revvity Omics, Revvity
Classification: Uncertain significance for Autosomal dominant limb-girdle muscular dystrophy type 1D (DNAJB6). Last evaluated: 2021-09-22. Review status: criteria provided, single submitter. Criteria: ACMG Guidelines, 2015. Collection method: clinical testing. Allele origin: germline.